The following is an entry in ClinVar:

ClinVar aggregate classification (germline): Benign/Likely benign. Review status: criteria provided, multiple submitters, no conflicts (2 of 4 stars). 3 submissions from 3 submitters: Benign (1); Likely benign (2). Last evaluated 2025-03-12.

Conditions:
Gastrointestinal stromal tumor. Also called: Gastrointestinal stromal tumor, somatic; Gastrointestinal stroma tumor. Identifiers: Orphanet 44890, MedGen C0238198, MeSH D046152, MONDO:0011719, OMIM 606764, HP:0100723.
Pheochromocytoma/paraganglioma syndrome 4. Also called: SDHB-Related Hereditary Paraganglioma-Pheochromocytoma Syndrome (Paragangliomas 4); SDHB-Related Hereditary Paraganglioma-Pheochromocytoma Syndrome; CAROTID BODY TUMORS AND MULTIPLE EXTRAADRENAL PHEOCHROMOCYTOMAS; PARAGANGLIOMA, FAMILIAL MALIGNANT; PARAGANGLIOMAS, HEREDITARY EXTRAADRENAL; PHEOCHROMOCYTOMA, FAMILIAL EXTRAADRENAL. Identifiers: Orphanet 29072, MedGen C1861848, MONDO:0007273, OMIM 115310.
Pheochromocytoma. Also called: MAX-Related Hereditary Paraganglioma-Pheochromocytoma Syndrome. Identifiers: Orphanet 29072, MedGen C0031511, MONDO:0008233, OMIM 171300, HP:0002666.
Hereditary cancer-predisposing syndrome. Also called: Neoplastic Syndromes, Hereditary; Hereditary Cancer Syndrome; Hereditary neoplastic syndrome; Tumor predisposition. Identifiers: Orphanet 140162, MedGen C0027672, MeSH D009386, MONDO:0015356.

Allele frequency attached by ClinVar (database versions not stated): gnomAD exomes below 0.00001 and 0.00001.
gnomAD v4.1: 7 of 1,612,808 alleles (0.00043%); highest among the groups gnomAD compares: Non-Finnish European, 0.00059%; no homozygotes.

Submissions (3):

Myriad Genetics, Inc.
Classification: Benign for Pheochromocytoma/paraganglioma syndrome 4. Last evaluated: 2025-03-12. Review status: criteria provided, single submitter. Criteria: Myriad Autosomal Dominant, Autosomal Recessive and X-Linked Classification Criteria (2023). Collection method: clinical testing. Allele origin: unknown.
Comment: This variant is considered benign. This variant is a silent/synonymous amino acid change and it is not expected to impact splicing.

Ambry Genetics
Classification: Likely benign for Hereditary cancer-predisposing syndrome. Last evaluated: 2025-03-07. Review status: criteria provided, single submitter. Criteria: Ambry Variant Classification Scheme 2023. Collection method: clinical testing. Allele origin: germline.

Labcorp Genetics (formerly Invitae), Labcorp
Classification: Likely benign for Gastrointestinal stromal tumor; Pheochromocytoma/paraganglioma syndrome 4; Pheochromocytoma. Last evaluated: 2024-09-23. Review status: criteria provided, single submitter. Criteria: Invitae Variant Classification Sherloc (09022015). Collection method: clinical testing. Allele origin: germline.

NM_003000.3(SDHB):c.63C>G (p.Ala21=)

Genes: SDHB (succinate dehydrogenase complex iron sulfur subunit B; minus strand), LOC129929542 (ATAC-STARR-seq lymphoblastoid active region 277; plus strand). Cytogenetic location: 1p36.13.
Variant type: single nucleotide variant.
Coding change: c.63C>G on transcript NM_003000.3 (MANE Select); coding-DNA position 63, C replaced by G.
Protein change: p.Ala21=; no amino-acid change (alanine 21 retained).
Molecular consequence: synonymous variant.
Genome position (GRCh38, 1-based): chr1:17,053,957, G>C on the plus strand (C>G on the coding strand, the complement: SDHB is on the minus strand). VCF-style: chr1-17053957-G-C. GRCh37 (hg19) VCF-style: chr1-17380452-G-C.
Identifiers: ClinVar variation 721683 (VCV000721683.9), dbSNP rs1557749647, ClinGen allele CA416048693.